The following is an entry in ClinVar:

ClinVar aggregate classification (germline): Conflicting classifications of pathogenicity. Review status: criteria provided, conflicting classifications (1 of 4 stars). 2 submissions from 2 submitters: Uncertain significance (1); Likely benign (1). Last evaluated 2025-11-24.

Allele frequency attached by ClinVar (database versions not stated): gnomAD exomes 0.00003; ExAC 0.00011; ESP Exome Variant Server 0.00015; TOPMed 0.00034; gnomAD 0.00036; 1000 Genomes Project 0.00060; 1000 Genomes Project 30x 0.00062.
gnomAD v4.1: 111 of 1,611,044 alleles (0.0069%); highest among the groups gnomAD compares: African/African-American, 0.11%; no homozygotes.

Submissions (3):

Labcorp Genetics (formerly Invitae), Labcorp
Classification: Likely benign. Last evaluated: 2025-11-24. Review status: criteria provided, single submitter. Criteria: Invitae Variant Classification Sherloc (09022015). Collection method: clinical testing. Allele origin: germline.

Women's Health and Genetics/Laboratory Corporation of America, LabCorp
Classification: Uncertain significance. Last evaluated: 2024-08-14. Review status: criteria provided, single submitter. Criteria: LabCorp Variant Classification Summary - May 2015. Collection method: clinical testing. Allele origin: germline.
Comment: Variant summary: SLC5A5 c.1056C>T (p.Leu352Leu) alters a conserved nucleotide located close to a canonical splice site and therefore could affect mRNA splicing, leading to a significantly altered protein sequence. Consensus agreement among computation tools predict no significant impact on normal splicing. However, these predictions have yet to be confirmed by functional studies. The variant allele was found at a frequency of 0.0001 in 250512 control chromosomes. This frequency is not significantly higher than estimated for a pathogenic variant in SLC5A5 causing Familial Thyroid Dyshormonogenesis 1, allowing no conclusion about variant significance. To our knowledge, no occurrence of c.1056C>T in individuals affected with Familial Thyroid Dyshormonogenesis 1 and no experimental evidence demonstrating its impact on protein function have been reported. ClinVar contains an entry for this variant (Variation ID: 2727116). Based on the evidence outlined above, the variant was classified as uncertain significance.

Dr. Peter K. Rogan Lab, Western University
No classification provided (evidence only). Condition: Acute myeloid leukemia. Review status: no classification provided. Collection method: in vitro. Allele origin: not applicable. Functional consequence: retained intron. Not counted in ClinVar's aggregate classification.

NM_000453.3(SLC5A5):c.1056C>T (p.Leu352=)

Gene: SLC5A5 (solute carrier family 5 member 5; plus strand). Cytogenetic location: 19p13.11.
Variant type: single nucleotide variant.
Coding change: c.1056C>T on transcript NM_000453.3 (MANE Select); coding-DNA position 1056, C replaced by T.
Protein change: p.Leu352=; no amino-acid change (leucine 352 retained).
Molecular consequence: synonymous variant.
Genome position (GRCh38, 1-based): chr19:17,880,951, C>T. VCF-style: chr19-17880951-C-T. GRCh37 (hg19) VCF-style: chr19-17991760-C-T.
Identifiers: ClinVar variation 2727116 (VCV002727116.5), dbSNP rs139977329, ClinGen allele CA9302982.